The following is an entry in ClinVar:

NM_024422.6(DSC2):c.1591A>C (p.Arg531=)

Gene: DSC2 (desmocollin 2; minus strand). Cytogenetic location: 18q12.1.
Variant type: single nucleotide variant.
Coding change: c.1591A>C on transcript NM_024422.6 (MANE Select); coding-DNA position 1591, A replaced by C.
Protein change: p.Arg531=; no amino-acid change (arginine 531 retained).
Molecular consequence: synonymous variant.
Genome position (GRCh38, 1-based): chr18:31,079,919, T>G on the plus strand (A>C on the coding strand, the complement: DSC2 is on the minus strand). VCF-style: chr18-31079919-T-G. GRCh37 (hg19) VCF-style: chr18-28659885-T-G.
Other names: c.1591A>C, p.Arg531= (NM_004949.5).
Identifiers: ClinVar variation 163187 (VCV000163187.12), dbSNP rs727502981, ClinGen allele CA022519.

ClinVar aggregate classification (germline): Likely benign. Review status: criteria provided, multiple submitters, no conflicts (2 of 4 stars). 3 submissions from 3 submitters: Likely benign (3). Last evaluated 2025-12-26.

Conditions:
Arrhythmogenic right ventricular dysplasia 11. Also called: ARRHYTHMOGENIC RIGHT VENTRICULAR DYSPLASIA, FAMILIAL, 11; Arrhythmogenic right ventricular dysplasia 11 with mild palmoplantar keratoderma and woolly hair; Arrhythmogenic Right Ventricular Dysplasia/Cardiomyopathy11. Identifiers: MedGen C1864850, MONDO:0012506, OMIM 610476.
Cardiomyopathy (CMYO). Also called: Cardiomyopathies. Identifiers: Orphanet 167848, MedGen C0878544, MONDO:0004994, HP:0001638. Inheritance: Various modes of inheritance.

Allele frequency attached by ClinVar (database versions not stated): ExAC 0.00007; gnomAD exomes 0.00006.
gnomAD v4.1: 25 of 1,614,036 alleles (0.0015%); highest among the groups gnomAD compares: South Asian, 0.027%; no homozygotes.

Submissions (3):

Labcorp Genetics (formerly Invitae), Labcorp
Classification: Likely benign for Arrhythmogenic right ventricular dysplasia 11. Last evaluated: 2025-12-26. Review status: criteria provided, single submitter. Criteria: Invitae Variant Classification Sherloc (09022015). Collection method: clinical testing. Allele origin: germline.

Color Diagnostics, LLC DBA Color Health
Classification: Likely benign for Cardiomyopathy. Last evaluated: 2018-10-16. Review status: criteria provided, single submitter. Criteria: ACMG Guidelines, 2015. Collection method: clinical testing. Allele origin: germline.

Laboratory for Molecular Medicine, Mass General Brigham Personalized Medicine
Classification: Likely benign. Last evaluated: 2014-06-17. Review status: criteria provided, single submitter. Criteria: LMM Criteria. Collection method: clinical testing. Allele origin: germline. Observed: 1 variant allele.
Comment: Arg531Arg of DSC2: This variant is not expected to have clinical significance be cause it does not alter an amino acid residue and is not located within the spli ce consensus sequence.